The following is an entry in ClinVar:

NM_001267550.2(TTN):c.26935A>C (p.Asn8979His)

Gene: TTN (titin; minus strand). Cytogenetic location: 2q31.2.
Variant type: single nucleotide variant.
Coding change: c.26935A>C on transcript NM_001267550.2 (MANE Select); coding-DNA position 26935, A replaced by C.
Protein change: p.Asn8979His; replaces asparagine 8979 with histidine.
Molecular consequence: missense variant. On other transcripts: intron variant (3).
Genome position (GRCh38, 1-based): chr2:178,713,199, T>G on the plus strand (A>C on the coding strand, the complement: TTN is on the minus strand). VCF-style: chr2-178713199-T-G. GRCh37 (hg19) VCF-style: chr2-179577926-T-G.
Other names: c.25984A>C, p.Asn8662His (NM_001256850.1); c.23203A>C, p.Asn7735His (NM_133378.4); c.13282+24883A>C (NM_003319.4); c.13858+24883A>C (NM_133437.4); c.13657+24883A>C (NM_133432.3); short protein forms N8979H, N7735H, N8662H.
Identifiers: ClinVar variation 46791 (VCV000046791.59), dbSNP rs376982715, ClinGen allele CA139198.
Genomic context (GRCh38, chr2:178,713,199, plus strand): 5'-TACATGTGTAGTCACCACTGTCTGATTCTTCCAGCATGTTCACAGTTAAAGCACAAGTAT[T>G]ATCTGTCAGGGTGGTCTGGTATTTCCTTCCACTACTGATCTCATTTCCTTCATGGAACCA-3'
Protein context (NP_001254479.2, residues 8969-8989): GRKYQTTLTD[Asn8979His]TCALTVNMLE

ClinVar aggregate classification (germline): Conflicting classifications of pathogenicity. Review status: criteria provided, conflicting classifications (1 of 4 stars). 16 submissions from 16 submitters: Uncertain significance (5); Likely benign (6). 5 of the submissions do not count toward it. Last evaluated 2025-12-23.

Conditions:
TTN-related disorder. Also called: TTN-related condition; TTN-related disease; TTN-related disorders.
Dilated cardiomyopathy 1G (CMD1G). Identifiers: Orphanet 154, MedGen C1858763, MONDO:0011400, OMIM 604145.
Autosomal recessive limb-girdle muscular dystrophy type 2J (LGMDR10). Also called: Limb-girdle muscular dystrophy, type 2J; MUSCULAR DYSTROPHY, LIMB-GIRDLE, AUTOSOMAL RECESSIVE 10. Identifiers: Orphanet 140922, MedGen C1837342, MONDO:0012127, OMIM 608807.
Cardiomyopathy (CMYO). Also called: Cardiomyopathies. Identifiers: Orphanet 167848, MedGen C0878544, MONDO:0004994, HP:0001638. Inheritance: Various modes of inheritance.

Allele frequency attached by ClinVar (database versions not stated): ESP Exome Variant Server 0.00008; gnomAD exomes 0.00014 and 0.00036; ExAC 0.00015; 1000 Genomes Project 30x 0.00016; gnomAD 0.00017 and 0.00018; TOPMed 0.00018.
gnomAD v4.1: 534 of 1,613,732 alleles (0.033%); highest among the groups gnomAD compares: Non-Finnish European, 0.044%; 1 homozygote.

Submissions (16):

Women's Health and Genetics/Laboratory Corporation of America, LabCorp
Classification: Likely benign. Last evaluated: 2025-12-23. Review status: criteria provided, single submitter. Criteria: LabCorp Variant Classification Summary - May 2015. Collection method: clinical testing. Allele origin: germline.
Comment: Variant summary: TTN c.23203A>C (p.Asn7735His) results in a conservative amino acid change located in the I-band region of the encoded protein sequence. Algorithms developed to predict the effect of missense changes on protein structure and function are either unavailable or do not agree on the potential impact of this missense change. The variant allele was found at a frequency of 0.00033 in 1606758 control chromosomes including 1 homozygote, predominantly at a frequency of 0.00044 within the Non-Finnish European subpopulation in the gnomAD database. The observed variant frequency within Non-Finnish European control individuals in the gnomAD database exceeds the estimated maximal expected allele frequency for disease-causing variants in TTN. c.23203A>C has been observed in an individual affected with Dilated Cardiomyopathy (Pugh_2014), however this individual also carried another potentially pathogenic TTN variant, which could explain the phenotype. To our knowledge, no experimental evidence demonstrating an impact on protein function has been reported. The following publications have been ascertained in the context of this evaluation (PMID: 24503780, 29263846). ClinVar contains an entry for this variant (Variation ID: 46791). Based on the evidence outlined above, the variant was classified as likely benign.

PreventionGenetics, part of Exact Sciences
Classification: Likely benign for TTN-related condition. Last evaluated: 2025-11-19. Review status: criteria provided, single submitter. Criteria: ACMG Guidelines, 2015. Collection method: clinical testing. Allele origin: germline.
Comment: This variant is classified as likely benign based on ACMG/AMP sequence variant interpretation guidelines (Richards et al. 2015 PMID: 25741868, with internal and published modifications).

Blueprint Genetics
Classification: Likely benign. Last evaluated: 2024-08-26. Review status: criteria provided, single submitter. Criteria: ACMG Guidelines, 2015. Collection method: clinical testing. Allele origin: germline.

Revvity Omics, Revvity
Classification: Likely benign. Last evaluated: 2024-06-11. Review status: criteria provided, single submitter. Criteria: ACMG Guidelines, 2015. Collection method: clinical testing. Allele origin: germline.

CeGaT Center for Human Genetics Tuebingen
Classification: Uncertain significance. Last evaluated: 2023-06-01. Review status: criteria provided, single submitter. Criteria: CeGaT Center For Human Genetics Tuebingen Variant Classification Criteria Version 2. Collection method: clinical testing. Allele origin: germline. Affected: yes. Observed: 1 variant allele.

Mayo Clinic Laboratories, Mayo Clinic
Classification: Uncertain significance. Last evaluated: 2021-09-01. Review status: criteria provided, single submitter. Criteria: ACMG Guidelines, 2015. Collection method: clinical testing. Allele origin: germline.

Laboratory for Molecular Medicine, Mass General Brigham Personalized Medicine
Classification: Likely benign. Last evaluated: 2021-04-28. Review status: criteria provided, single submitter. Criteria: ACMG Guidelines, 2015. Collection method: clinical testing. Allele origin: germline.
Comment: The p.Asn7735His variant in TTN is classified as likely benign because it has been identified in 0.03% (35/128120) of European chromosomes by gnomAD. It is also located in the I-band, in an exon that is not highly expressed in the heart. ACMG/AMP Criteria applied: BP1, BS1.

GeneDx
Classification: Likely benign. Last evaluated: 2020-04-15. Review status: criteria provided, single submitter. Criteria: GeneDx Variant Classification Process June 2021. Collection method: clinical testing. Allele origin: germline. Affected: yes.
Comment: This variant is associated with the following publications: (PMID: 24503780, 29263846)

CHEO Genetics Diagnostic Laboratory, Children's Hospital of Eastern Ontario
Classification: Uncertain significance for Cardiomyopathy. Last evaluated: 2019-01-11. Review status: criteria provided, single submitter. Criteria: ACMG Guidelines, 2015. Collection method: clinical testing. Allele origin: germline.

Labcorp Genetics (formerly Invitae), Labcorp
Classification: Uncertain significance for Dilated cardiomyopathy 1G; Autosomal recessive limb-girdle muscular dystrophy type 2J. Last evaluated: 2017-08-24. Review status: criteria provided, single submitter. Criteria: Invitae Variant Classification Sherloc (09022015). Collection method: clinical testing. Allele origin: germline.

Eurofins Ntd Llc (ga)
Classification: Uncertain significance. Last evaluated: 2017-05-03. Review status: criteria provided, single submitter. Criteria: EGL Classification Definitions 2015. Collection method: clinical testing. Allele origin: germline. Observed: 3 variant alleles, 3 heterozygotes.

Clinical Genetics DNA and cytogenetics Diagnostics Lab, Erasmus MC, Erasmus Medical Center
Classification: Uncertain significance. Review status: no assertion criteria provided. Collection method: clinical testing. Allele origin: germline. Affected: yes. Study: VKGL Data-share Consensus. Not counted in ClinVar's aggregate classification.

Clinical Genetics, Academic Medical Center
Classification: Uncertain significance. Review status: no assertion criteria provided. Collection method: clinical testing. Allele origin: germline. Affected: yes. Study: VKGL Data-share Consensus. Not counted in ClinVar's aggregate classification.

Diagnostic Laboratory, Department of Genetics, University Medical Center Groningen
Classification: Uncertain significance. Review status: no assertion criteria provided. Collection method: clinical testing. Allele origin: germline. Affected: yes. Study: VKGL Data-share Consensus. Not counted in ClinVar's aggregate classification.

Genome Diagnostics Laboratory, Amsterdam University Medical Center
Classification: Uncertain significance. Review status: no assertion criteria provided. Collection method: clinical testing. Allele origin: germline. Affected: yes. Study: VKGL Data-share Consensus. Not counted in ClinVar's aggregate classification.

Joint Genome Diagnostic Labs from Nijmegen and Maastricht, Radboudumc and MUMC+
Classification: Uncertain significance. Review status: no assertion criteria provided. Collection method: clinical testing. Allele origin: germline. Affected: yes. Study: VKGL Data-share Consensus. Not counted in ClinVar's aggregate classification.

Literature cited by the submitters: PubMed 24503780 (cited by Women's Health and Genetics/Laboratory Corporation of America, LabCorp); PubMed 29263846 (cited by Women's Health and Genetics/Laboratory Corporation of America, LabCorp).